The following is an entry in ClinVar:

NM_000548.5(TSC2):c.4849+2T>C

Gene: TSC2 (TSC complex subunit 2; plus strand). Cytogenetic location: 16p13.3.
Variant type: single nucleotide variant.
Coding change: c.4849+2T>C on transcript NM_000548.5 (MANE Select); the canonical splice donor site of the intron after coding-DNA position 4849, T replaced by C.
Molecular consequence: splice donor variant.
Genome position (GRCh38, 1-based): chr16:2,086,381, T>C. VCF-style: chr16-2086381-T-C. GRCh37 (hg19) VCF-style: chr16-2136382-T-C.
Other names: c.3307+2T>C (NM_001406693.1, NM_001406692.1, NM_001406694.1); c.4741+2T>C (NM_001406667.1); c.4738+2T>C (NM_001406668.1); c.4249+2T>C (NM_001406680.1); c.4180+2T>C (NM_001406683.1, NM_001406682.1); c.4048+2T>C (NM_001406687.1, NM_001406688.1); c.3436+2T>C (NM_001406689.1); c.3376+2T>C (NM_001406690.1); and 26 more.
Identifiers: ClinVar variation 1743539 (VCV001743539.3), dbSNP rs397515281, ClinGen allele CA394308167.

ClinVar aggregate classification (germline): Uncertain significance. Review status: criteria provided, multiple submitters, no conflicts (2 of 4 stars). 2 submissions from 2 submitters: Uncertain significance (2). Last evaluated 2022-10-14.

Conditions:
Hereditary cancer-predisposing syndrome. Also called: Hereditary Cancer Syndrome; Neoplastic Syndromes, Hereditary; Tumor predisposition; Hereditary neoplastic syndrome. Identifiers: Orphanet 140162, MedGen C0027672, MeSH D009386, MONDO:0015356.

Allele frequency attached by ClinVar (database versions not stated): TOPMed below 0.00001; gnomAD 0.00001.

Submissions (2):

GeneDx
Classification: Uncertain significance. Last evaluated: 2022-10-14. Review status: criteria provided, single submitter. Criteria: GeneDx Variant Classification Process June 2021. Collection method: clinical testing. Allele origin: germline. Affected: yes.
Comment: Not observed at significant frequency in large population cohorts (gnomAD); Canonical splice site variant with an unclear effect on protein function (External communication with Ambry Genetics); Has not been previously published as pathogenic or benign to our knowledge

Ambry Genetics
Classification: Uncertain significance for Hereditary cancer-predisposing syndrome. Last evaluated: 2022-09-28. Review status: criteria provided, single submitter. Criteria: Ambry Variant Classification Scheme 2023. Collection method: clinical testing. Allele origin: germline.
Comment: The c.4849+2T>C intronic variant results from a T to C substitution two nucleotide after coding exon 36 of the TSC2 gene. In silico splice site analysis predicts that this alteration will weaken the native splice donor site; however, direct evidence is insufficient at this time (Ambry internal data). Alterations that disrupt the canonical splice site are expected to cause aberrant splicing, resulting in an abnormal protein or a transcript that is subject to nonsense-mediated mRNA decay; however, +2T>C alterations are capable of generating wild-type transcripts in some genomic contexts and should be interpreted with caution (Lin JH et al. Hum Mutat. 2019 10;40:1856-1873). Since supporting evidence is limited at this time, the clinical significance of this alteration remains unclear.